The following is an entry in ClinVar:

ClinVar aggregate classification (germline): Uncertain significance. Review status: criteria provided, multiple submitters, no conflicts (2 of 4 stars). 3 submissions from 3 submitters: Uncertain significance (3). Last evaluated 2024-04-02.

Conditions:
Hyperthyroxinemia, dystransthyretinemic. Also called: EUTHRYROIDAL HYPERTHYROXINEMIA 2; HYPERTHYROXINEMIA, DYSPREALBUMINEMIC. Identifiers: MedGen C2750824, MONDO:0007785, OMIM 145680.
Carpal tunnel syndrome 1 (CTS1). Also called: Carpal tunnel syndrome, familial. Identifiers: MedGen C5779776, MONDO:0020730, OMIM 115430.
Amyloidosis, hereditary systemic 1 (AMYLD1). Also called: AMYLOID CARDIOMYOPATHY; Hereditary oculoleptomeningeal amyloid angiopathy; Familial Transthyretin Amyloidosis; Hereditary Transthyretin Amyloidosis; Familial amyloid polyneuropathy; Transthyretin Amyloidosis. Identifiers: Orphanet 85447, Orphanet 85451, MedGen C2751492, MONDO:0971004, OMIM 105210.
Cardiovascular phenotype. Identifiers: MedGen CN230736.

gnomAD v4.1: 2 of 1,614,078 alleles (0.00012%); highest among the groups gnomAD compares: Non-Finnish European, 0.00017%; no homozygotes.

Submissions (3):

Fulgent Genetics
Classification: Uncertain significance for Amyloidosis, hereditary systemic 1; Carpal tunnel syndrome 1; Hyperthyroxinemia, dystransthyretinemic. Last evaluated: 2024-04-02. Review status: criteria provided, single submitter. Criteria: ACMG Guidelines, 2015. Collection method: clinical testing. Allele origin: germline.

Women's Health and Genetics/Laboratory Corporation of America, LabCorp
Classification: Uncertain significance. Last evaluated: 2024-01-23. Review status: criteria provided, single submitter. Criteria: LabCorp Variant Classification Summary - May 2015. Collection method: clinical testing. Allele origin: germline.
Comment: Variant summary: TTR c.88T>G (p.Cys30Gly) results in a non-conservative amino acid change located in the Transthyretin/hydroxyisourate hydrolase domain (IPR023416) of the encoded protein sequence. Four of five in-silico tools predict a damaging effect of the variant on protein function. The variant was absent in 251476 control chromosomes (gnomAD). The available data on variant occurrences in the general population are insufficient to allow any conclusion about variant significance. c.88T>G has been reported in the literature in at-least one individual diagnosed with cardiac amyloidosis (example: Quarta_2017). These data do not allow any conclusion about variant significance. To our knowledge, no experimental evidence demonstrating an impact on protein function has been reported. The following publication has been ascertained in the context of this evaluation (PMID: 28605421). ClinVar contains an entry for this variant (Variation ID: 1765057). Based on the evidence outlined above, the variant was classified as uncertain significance.

Ambry Genetics
Classification: Uncertain significance for Cardiovascular phenotype. Last evaluated: 2020-11-12. Review status: criteria provided, single submitter. Criteria: Ambry Variant Classification Scheme 2023. Collection method: clinical testing. Allele origin: germline.
Comment: The p.C30G variant (also known as c.88T>G), located in coding exon 2 of the TTR gene, results from a T to G substitution at nucleotide position 88. The cysteine at codon 30 is replaced by glycine, an amino acid with highly dissimilar properties. Based on internal structural analysis, this variant does not appear to have a substantial impact on the structure or interactions of TTR in the soluble or amyloid form (Wojtczak A et al. Acta Crystallogr D Biol Crystallogr, 1996 Jul;52:758-65; Schmidt M et al. Nat Commun, 2019 11;10:5008). This amino acid position is highly conserved in available vertebrate species. In addition, this alteration is predicted to be deleterious by in silico analysis. Since supporting evidence is limited at this time, the clinical significance of this alteration remains unclear.

Literature cited by the submitters: PubMed 28605421 (cited by Women's Health and Genetics/Laboratory Corporation of America, LabCorp); PubMed 15299640 (cited by Ambry Genetics); PubMed 31676763 (cited by Ambry Genetics).

NM_000371.4(TTR):c.88T>G (p.Cys30Gly)

Gene: TTR (transthyretin; plus strand). Cytogenetic location: 18q12.1.
Variant type: single nucleotide variant.
Coding change: c.88T>G on transcript NM_000371.4 (MANE Select); coding-DNA position 88, T replaced by G.
Protein change: p.Cys30Gly; replaces cysteine 30 with glycine.
Molecular consequence: missense variant.
Genome position (GRCh38, 1-based): chr18:31,592,914, T>G. VCF-style: chr18-31592914-T-G. GRCh37 (hg19) VCF-style: chr18-29172877-T-G.
Other names: short protein forms C30G.
Identifiers: ClinVar variation 1765057 (VCV001765057.4), dbSNP rs121918083, ClinGen allele CA402156501.